The following is an entry in ClinVar:

ClinVar aggregate classification (germline): Uncertain significance (1 of 4 stars; one submission).

Submission:

GeneDx
Classification: Uncertain significance. Last evaluated: 2025-02-21. Review status: criteria provided, single submitter. Criteria: GeneDx Variant Classification Process June 2021. Collection method: clinical testing. Allele origin: germline. Affected: yes.
Comment: Not observed at significant frequency in large population cohorts (gnomAD); In silico analysis supports that this missense variant has a deleterious effect on protein structure/function; Has not been previously published as pathogenic or benign to our knowledge

NM_001846.4(COL4A2):c.1742G>A (p.Gly581Glu)

Genes: COL4A2 (collagen type IV alpha 2 chain; plus strand), COL4A2-AS2 (COL4A2 antisense RNA 2; minus strand). Cytogenetic location: 13q34.
Variant type: single nucleotide variant.
Coding change: c.1742G>A on transcript NM_001846.4 (MANE Select); coding-DNA position 1742, G replaced by A.
Protein change: p.Gly581Glu; replaces glycine 581 with glutamic acid.
Molecular consequence: missense variant.
Genome position (GRCh38, 1-based): chr13:110,462,350, G>A. VCF-style: chr13-110462350-G-A. GRCh37 (hg19) VCF-style: chr13-111114697-G-A.
Other names: short protein forms G581E.
Identifiers: ClinVar variation 4076832 (VCV004076832.1).
Genomic context (GRCh38, chr13:110,462,350, plus strand): 5'-AGCCCGGCGTCCCAGGTGTGCCCGGGATGAAAGGTGACGATGGCAGCCCAGGCCGCGATG[G>A]GCTCGATGGATTCCCCGGCCTCCCAGGCCCTCCCGTGAGTAGCCACAAACTGCGGCAGCT-3'
Protein context (NP_001837.2, residues 571-591): KGDDGSPGRD[Gly581Glu]LDGFPGLPGP